The following is an entry in ClinVar:

ClinVar aggregate classification (germline): Uncertain significance. Review status: criteria provided, multiple submitters, no conflicts (2 of 4 stars). 2 submissions from 2 submitters: Uncertain significance (2). Last evaluated 2025-09-04.

Conditions:
Inborn genetic diseases. Identifiers: MedGen C0950123, MeSH D030342.

gnomAD v4.1: 1 of 1,613,734 alleles (0.000062%); highest among the groups gnomAD compares: African/African-American, 0.0013%; no homozygotes.

Submissions (2):

Ambry Genetics
Classification: Uncertain significance for Inborn genetic diseases. Last evaluated: 2025-09-04. Review status: criteria provided, single submitter. Criteria: Ambry Variant Classification Scheme 2023. Collection method: clinical testing. Allele origin: germline.
Comment: The p.E413A variant (also known as c.1238A>C), located in coding exon 12 of the DDX41 gene, results from an A to C substitution at nucleotide position 1238. The glutamic acid at codon 413 is replaced by alanine, an amino acid with dissimilar properties. This amino acid position is conserved. In addition, this alteration is predicted to be deleterious by in silico analysis. Based on the available evidence, the clinical significance of this variant remains unclear.

GeneDx
Classification: Uncertain significance. Last evaluated: 2022-11-01. Review status: criteria provided, single submitter. Criteria: GeneDx Variant Classification Process June 2021. Collection method: clinical testing. Allele origin: germline. Affected: yes.
Comment: Not observed at significant frequency in large population cohorts (gnomAD); In silico analysis supports that this missense variant has a deleterious effect on protein structure/function; Has not been previously published as pathogenic or benign to our knowledge; This variant is associated with the following publications: (PMID: 27721487)

NM_016222.4(DDX41):c.1238A>C (p.Glu413Ala)

Gene: DDX41 (DEAD-box helicase 41; minus strand). Cytogenetic location: 5q35.3.
Variant type: single nucleotide variant.
Coding change: c.1238A>C on transcript NM_016222.4 (MANE Select); coding-DNA position 1238, A replaced by C.
Protein change: p.Glu413Ala; replaces glutamic acid 413 with alanine.
Molecular consequence: missense variant.
Genome position (GRCh38, 1-based): chr5:177,513,075, T>G on the plus strand (A>C on the coding strand, the complement: DDX41 is on the minus strand). VCF-style: chr5-177513075-T-G. GRCh37 (hg19) VCF-style: chr5-176940076-T-G.
Other names: c.860A>C, p.Glu287Ala (NM_001321732.2, NM_001321830.2); short protein forms E287A, E413A.
Identifiers: ClinVar variation 2500369 (VCV002500369.2), dbSNP rs772162239, ClinGen allele CA362373634.
Genomic context (GRCh38, chr5:177,513,075, plus strand): 5'-GGGGGTGTCTTCTGCAGGCACTCGAGCAGGTACACCATCTTGGCCTCCTCCTTCACATAT[T>G]CTACCTCCTGCCACCACAAAGATCAGGTCAGGTGATCTTGAGATTAGGCTTACCCGCCAC-3'
Protein context (NP_057306.2, residues 403-423): AASLDVIQEV[Glu413Ala]YVKEEAKMVY